The following is an entry in ClinVar:

ClinVar aggregate classification (germline): Uncertain significance. Review status: criteria provided, multiple submitters, no conflicts (2 of 4 stars). 3 submissions from 3 submitters: Uncertain significance (3). Last evaluated 2025-08-07.

Conditions:
Monogenic diabetes. Identifiers: Orphanet 183625, MedGen C3888631, MONDO:0015967.
Inborn genetic diseases. Identifiers: MedGen C0950123, MeSH D030342.
Congenital generalized lipodystrophy type 1 (CGL1). Also called: BRUNZELL SYNDROME, AGPAT2-RELATED; Berardinelli-Seip Congenital Lipodystrophy Type 1. Identifiers: Orphanet 528, Orphanet 696189, MedGen C1720862, MONDO:0012071, OMIM 608594.

Allele frequency attached by ClinVar (database versions not stated): gnomAD exomes 0.00001 and 0.00002; gnomAD 0.00002; TOPMed 0.00002.

Submissions (3):

Ambry Genetics
Classification: Uncertain significance for Inborn genetic diseases. Last evaluated: 2025-08-07. Review status: criteria provided, single submitter. Criteria: Ambry Variant Classification Scheme 2023. Collection method: clinical testing. Allele origin: germline.

Fulgent Genetics
Classification: Uncertain significance for Congenital generalized lipodystrophy type 1. Last evaluated: 2024-02-25. Review status: criteria provided, single submitter. Criteria: ACMG Guidelines, 2015. Collection method: clinical testing. Allele origin: germline.

Personalized Diabetes Medicine Program, University of Maryland School of Medicine
Classification: Uncertain significance for Monogenic diabetes. Last evaluated: 2018-01-02. Review status: criteria provided, single submitter. Criteria: ACMG Guidelines, 2015. Collection method: research. Allele origin: unknown. Observed: 1 variant allele, 1 heterozygote.
Comment: ACMG criteria: PP3 (4 predictors), BP4 (7 predictors), PM2=VUS

NM_006412.4(AGPAT2):c.455T>C (p.Val152Ala)

Gene: AGPAT2 (1-acylglycerol-3-phosphate O-acyltransferase 2; minus strand). Cytogenetic location: 9q34.3.
Variant type: single nucleotide variant.
Coding change: c.455T>C on transcript NM_006412.4 (MANE Select); coding-DNA position 455, T replaced by C.
Protein change: p.Val152Ala; replaces valine 152 with alanine.
Molecular consequence: missense variant.
Genome position (GRCh38, 1-based): chr9:136,676,998, A>G on the plus strand (T>C on the coding strand, the complement: AGPAT2 is on the minus strand). VCF-style: chr9-136676998-A-G. GRCh37 (hg19) VCF-style: chr9-139571450-A-G.
Other names: c.455T>C, p.Val152Ala (NM_001012727.2); c.455T>C (NM_006412.3); short protein forms V152A.
Identifiers: ClinVar variation 917421 (VCV000917421.6), dbSNP rs1230993149, ClinGen allele CA375581980.